The following is an entry in ClinVar:

ClinVar aggregate classification (germline): Uncertain significance. Review status: criteria provided, multiple submitters, no conflicts (2 of 4 stars). 2 submissions from 2 submitters: Uncertain significance (2). Last evaluated 2020-05-12.

Submissions (2):

Women's Health and Genetics/Laboratory Corporation of America, LabCorp
Classification: Uncertain significance. Last evaluated: 2020-05-12. Review status: criteria provided, single submitter. Criteria: LabCorp Variant Classification Summary - May 2015. Collection method: clinical testing. Allele origin: germline.
Comment: Variant summary: CAMK4 c.940C>T (p.Gln314X) results in a premature termination codon, though this variant is not expected to elicit nonsense mediated decay (NMD), it is predicted to cause a truncation of the encoded protein, resulting in the partial loss of the autoregulatory domain (residues 305-341) at the carboxyl terminus (Zech_2018). The variant was absent in 249106 control chromosomes (gnomAD). The variant, c.940C>T, has not been reported in the literature in individuals affected with CAMK4-Related Disorders, however a variant resulting in loss of the carboxy-terminal regulatory domain (i.e. c.981+1G>A, p.Lys303Serfs28) has been reported as a de novo variant in a patient with neurodevelopmental disorders (impaired intellectual development, autistic features) and hyperkinetic movement conditions (including dystonia, myoclonus, and choreoathetosis) that grew progressively worse during adolescence (Zech_2018). This publication also reported experimental evidence evaluating an impact on protein function, where analysis of patient derived fibroblasts showed that the variant mRNA was not subject to NMD, and the expressed protein had increased kinase activity toward a downstream substrate (Zech_2018). These data are consistent with earlier studies that demonstrated a gain of function mechanism, resulting in a constitutively active protein, for in vitro expressed proteins lacking the C-terminal regulatory domain (Anderson_2004). However, these data do not provide unequivocal conclusions about association of the variant c.940C>T (p.Gln314X) with CAMK4-Related Disorders. No clinical diagnostic laboratories have submitted clinical-significance assessments for this variant to ClinVar after 2014. Based on the evidence outlined above, the variant was classified as uncertain significance.

Illumina Laboratory Services, Illumina
Classification: Uncertain significance. Last evaluated: 2020-01-23. Review status: criteria provided, single submitter. Criteria: ICSLVariantClassificationCriteria RUGD 01 April 2020. Collection method: clinical testing. Allele origin: unknown.
Comment: The CAMK4 c.940C>T (p.Gln314Ter) variant is a stop-gained variant that is predicted to result in a premature termination of the protein, including loss of the autoinhibitory domain (AID) and the calmodulin-binding domain (CBD). The variant is located in the penultimate exon of the gene, and the truncated transcript is not expected to undergo nonsense mediated decay. This variant has been reported in one study in the literature (Zech et al. 2021). This variant is not found in the Genome Aggregation Database despite its location in a region of good sequencing coverage, which suggests that the variant is rare. Cruzalegui et al. (1993) used insect cells to show that truncation of CAMKIV via introduction of the p.Gln314Ter variant resulted in a constitutively active kinase that did not bind calmodulin or undergo autophosphorylation in a calcium-dependent manner. Based on the available evidence, the p.Gln314Ter variant is classified as a variant of uncertain significance.

Literature cited by the submitters: PubMed 15143065 (cited by Women's Health and Genetics/Laboratory Corporation of America, LabCorp); PubMed 30262571 (cited by Women's Health and Genetics/Laboratory Corporation of America, LabCorp); PubMed 8253736 (cited by Illumina Laboratory Services, Illumina); PubMed 33211350 (cited by Illumina Laboratory Services, Illumina).

NM_001744.6(CAMK4):c.940C>T (p.Gln314Ter)

Gene: CAMK4 (calcium/calmodulin dependent protein kinase IV; plus strand). Cytogenetic location: 5q22.1.
Variant type: single nucleotide variant.
Coding change: c.940C>T on transcript NM_001744.6 (MANE Select); coding-DNA position 940, C replaced by T.
Protein change: p.Gln314Ter; replaces glutamine 314 with a stop codon.
Molecular consequence: nonsense.
Genome position (GRCh38, 1-based): chr5:111,482,896, C>T. VCF-style: chr5-111482896-C-T. GRCh37 (hg19) VCF-style: chr5-110818594-C-T.
Other names: c.940C>T, p.Gln314Ter (NM_001323374.2, NM_001323375.2); c.349C>T, p.Gln117Ter (NM_001323376.2, NM_001323377.2); short protein forms Q117*, Q314*.
Identifiers: ClinVar variation 932178 (VCV000932178.5), dbSNP rs1755482400, ClinGen allele CA360607249.